The following is an entry in ClinVar:

NM_000360.4(TH):c.549C>G (p.Phe183Leu)

Gene: TH (tyrosine hydroxylase; minus strand). Cytogenetic location: 11p15.5.
Variant type: single nucleotide variant.
Coding change: c.549C>G on transcript NM_000360.4 (MANE Select); coding-DNA position 549, C replaced by G.
Protein change: p.Phe183Leu; replaces phenylalanine 183 with leucine.
Molecular consequence: missense variant.
Genome position (GRCh38, 1-based): chr11:2,168,118, G>C on the plus strand (C>G on the coding strand, the complement: TH is on the minus strand). VCF-style: chr11-2168118-G-C. GRCh37 (hg19) VCF-style: chr11-2189348-G-C.
Other names: c.642C>G, p.Phe214Leu (NM_199292.3); c.630C>G, p.Phe210Leu (NM_199293.3); short protein forms F214L, F183L, F210L.
Identifiers: ClinVar variation 2166818 (VCV002166818.1), dbSNP rs756278325, ClinGen allele CA5818624.

ClinVar aggregate classification (germline): Uncertain significance (1 of 4 stars; one submission).

Conditions:
TH-deficient dopa-responsive dystonia. Also called: Tyrosine Hydroxylase-Deficient Dopa-Responsive Dystonia; Segawa syndrome, autosomal recessive; DYT-TH. Identifiers: Orphanet 101150, MedGen C2673535, MONDO:0011551, OMIM 605407.

gnomAD v4.1: 12 of 1,613,566 alleles (0.00074%); highest among the groups gnomAD compares: South Asian, 0.013%; no homozygotes.

Submission:

Labcorp Genetics (formerly Invitae), Labcorp
Classification: Uncertain significance for TH-deficient dopa-responsive dystonia. Last evaluated: 2022-08-10. Review status: criteria provided, single submitter. Criteria: Invitae Variant Classification Sherloc (09022015). Collection method: clinical testing. Allele origin: germline.
Comment: This sequence change replaces phenylalanine, which is neutral and non-polar, with leucine, which is neutral and non-polar, at codon 214 of the TH protein (p.Phe214Leu). This variant is present in population databases (rs756278325, gnomAD 0.006%). This variant has not been reported in the literature in individuals affected with TH-related conditions. Algorithms developed to predict the effect of missense changes on protein structure and function are either unavailable or do not agree on the potential impact of this missense change (SIFT: "Deleterious"; PolyPhen-2: "Benign"; Align-GVGD: "Class C15"). In summary, the available evidence is currently insufficient to determine the role of this variant in disease. Therefore, it has been classified as a Variant of Uncertain Significance.